The following is an entry in ClinVar:

ClinVar aggregate classification (germline): Uncertain significance (1 of 4 stars; one submission).

Conditions:
Primary ciliary dyskinesia. Also called: Ciliary dyskinesia. Identifiers: Orphanet 244, MedGen C0008780, MONDO:0016575, HP:0012265.

Allele frequency attached by ClinVar (database versions not stated): gnomAD exomes below 0.00001.
gnomAD v4.1: 1 of 1,614,212 alleles (0.000062%); highest among the groups gnomAD compares: Admixed American, 0.0017%; no homozygotes.

Submission:

Labcorp Genetics (formerly Invitae), Labcorp
Classification: Uncertain significance for Primary ciliary dyskinesia. Last evaluated: 2023-06-03. Review status: criteria provided, single submitter. Criteria: Invitae Variant Classification Sherloc (09022015). Collection method: clinical testing. Allele origin: germline.
Comment: This sequence change replaces valine, which is neutral and non-polar, with alanine, which is neutral and non-polar, at codon 546 of the DNAI1 protein (p.Val546Ala). This variant is present in population databases (no rsID available, gnomAD 0.003%). In summary, the available evidence is currently insufficient to determine the role of this variant in disease. Therefore, it has been classified as a Variant of Uncertain Significance. Advanced modeling of protein sequence and biophysical properties (such as structural, functional, and spatial information, amino acid conservation, physicochemical variation, residue mobility, and thermodynamic stability) has been performed at Invitae for this missense variant, however the output from this modeling did not meet the statistical confidence thresholds required to predict the impact of this variant on DNAI1 protein function. This variant has not been reported in the literature in individuals affected with DNAI1-related conditions.

NM_012144.4(DNAI1):c.1637T>C (p.Val546Ala)

Gene: DNAI1 (dynein axonemal intermediate chain 1; plus strand). Cytogenetic location: 9p13.3.
Variant type: single nucleotide variant.
Coding change: c.1637T>C on transcript NM_012144.4 (MANE Select); coding-DNA position 1637, T replaced by C.
Protein change: p.Val546Ala; replaces valine 546 with alanine.
Molecular consequence: missense variant.
Genome position (GRCh38, 1-based): chr9:34,514,461, T>C. VCF-style: chr9-34514461-T-C. GRCh37 (hg19) VCF-style: chr9-34514459-T-C.
Other names: c.1649T>C, p.Val550Ala (NM_001281428.2); short protein forms V550A, V546A.
Identifiers: ClinVar variation 2957303 (VCV002957303.3), dbSNP rs1314566572, ClinGen allele CA373263438.